The following is an entry in ClinVar:

NM_000048.4(ASL):c.242T>C (p.Leu81Pro)

Gene: ASL (argininosuccinate lyase; plus strand). Cytogenetic location: 7q11.21.
Variant type: single nucleotide variant.
Coding change: c.242T>C on transcript NM_000048.4 (MANE Select); coding-DNA position 242, T replaced by C.
Protein change: p.Leu81Pro; replaces leucine 81 with proline.
Molecular consequence: missense variant.
Genome position (GRCh38, 1-based): chr7:66,082,402, T>C. VCF-style: chr7-66082402-T-C. GRCh37 (hg19) VCF-style: chr7-65547389-T-C.
Other names: c.242T>C, p.Leu81Pro (NM_001024943.2, NM_001024944.2, NM_001024946.2); short protein forms L81P.
Identifiers: ClinVar variation 529427 (VCV000529427.15), dbSNP rs141046612, ClinGen allele CA4276860.

ClinVar aggregate classification (germline): Conflicting classifications of pathogenicity. Review status: criteria provided, conflicting classifications (1 of 4 stars). 4 submissions from 4 submitters: Uncertain significance (2); Likely benign (2). Last evaluated 2026-01-19.

Conditions:
Argininosuccinate lyase deficiency. Also called: ARGININOSUCCINIC ACID LYASE DEFICIENCY; ASL DEFICIENCY; Argininosuccinic aciduria. Identifiers: Orphanet 23, MedGen C0268547, MONDO:0008815, OMIM 207900, HP:0025630.

Allele frequency attached by ClinVar (database versions not stated): gnomAD exomes 0.00017; ExAC 0.00027; 1000 Genomes Project 30x 0.00031; 1000 Genomes Project 0.00040; gnomAD 0.00056 and 0.00061; TOPMed 0.00060; ESP Exome Variant Server 0.00069.
gnomAD v4.1: 141 of 1,612,528 alleles (0.0087%); highest among the groups gnomAD compares: African/African-American, 0.15%; no homozygotes.

Submissions (4):

Labcorp Genetics (formerly Invitae), Labcorp
Classification: Likely benign for Argininosuccinate lyase deficiency. Last evaluated: 2026-01-19. Review status: criteria provided, single submitter. Criteria: Invitae Variant Classification Sherloc (09022015). Collection method: clinical testing. Allele origin: germline.

Women's Health and Genetics/Laboratory Corporation of America, LabCorp
Classification: Uncertain significance. Last evaluated: 2024-06-21. Review status: criteria provided, single submitter. Criteria: LabCorp Variant Classification Summary - May 2015. Collection method: clinical testing. Allele origin: germline.
Comment: Variant summary: ASL c.242T>C (p.Leu81Pro) results in a non-conservative amino acid change located in the Fumarate lyase, N-terminal (IPR022761) of the encoded protein sequence. Three of five in-silico tools predict a damaging effect of the variant on protein function. The variant allele was found at a frequency of 0.00017 in 247000 control chromosomes. This frequency is not significantly higher than estimated for a pathogenic variant in ASL causing Argininosuccinic Aciduria (0.00017 vs 0.0042), allowing no conclusion about variant significance. To our knowledge, no occurrence of c.242T>C in individuals affected with Argininosuccinic Aciduria and no experimental evidence demonstrating its impact on protein function have been reported. ClinVar contains an entry for this variant (Variation ID: 529427). Based on the evidence outlined above, the variant was classified as uncertain significance.

Fulgent Genetics
Classification: Uncertain significance for Argininosuccinate lyase deficiency. Last evaluated: 2024-06-12. Review status: criteria provided, single submitter. Criteria: ACMG Guidelines, 2015. Collection method: clinical testing. Allele origin: germline.

Breakthrough Genomics
Classification: Likely benign. Review status: criteria provided, single submitter. Criteria: ACMG Guidelines, 2015. Collection method: not provided. Allele origin: germline. Inheritance: Autosomal recessive inheritance. Affected: yes.